The following is an entry in ClinVar:

ClinVar aggregate classification (germline): Pathogenic/Likely pathogenic. Review status: criteria provided, multiple submitters, no conflicts (2 of 4 stars). 5 submissions from 5 submitters: Pathogenic (3); Likely pathogenic (2). Last evaluated 2025-07-03.

Conditions:
Cohen syndrome (COH1). Also called: PEPPER SYNDROME; Cutis verticis gyrata, retinitis pigmentosa, and sensorineural deafness. Identifiers: Orphanet 193, MedGen C0265223, MONDO:0008999, OMIM 216550.

Submissions (5):

Labcorp Genetics (formerly Invitae), Labcorp
Classification: Pathogenic for Cohen syndrome. Last evaluated: 2025-07-03. Review status: criteria provided, single submitter. Criteria: Invitae Variant Classification Sherloc (09022015). Collection method: clinical testing. Allele origin: germline.
Comment: This sequence change creates a premature translational stop signal (p.Ser673*) in the VPS13B gene. It is expected to result in an absent or disrupted protein product. Loss-of-function variants in VPS13B are known to be pathogenic (PMID: 15141358, 16648375, 20461111). This variant is not present in population databases (gnomAD no frequency). This variant has not been reported in the literature in individuals affected with VPS13B-related conditions. ClinVar contains an entry for this variant (Variation ID: 450566). For these reasons, this variant has been classified as Pathogenic.

Natera, Inc.
Classification: Likely pathogenic for Cohen syndrome. Last evaluated: 2025-02-13. Review status: criteria provided, single submitter. Criteria: Natera Variant Classification Schema (03/2026). Collection method: clinical testing. Allele origin: germline.
Comment: The c.2018C>G variant in VPS13B is a nonsense variant predicted to introduce a stop codon at amino acid 673. This variant is expected to result in nonsense mediated decay, truncation, or a dysfunctional protein product. This variant is rare in the general population with a frequency below the threshold expected for the associated phenotype(s). Given the available evidence, this variant is classified as Likely Pathogenic.

Myriad Genetics, Inc.
Classification: Pathogenic for Cohen syndrome. Last evaluated: 2024-05-08. Review status: criteria provided, single submitter. Criteria: Myriad Autosomal Dominant, Autosomal Recessive and X-Linked Classification Criteria (2023). Collection method: clinical testing. Allele origin: unknown.
Comment: NM_017890.4(VPS13B):c.2018C>G(S673*) is expected to be pathogenic in the context of Cohen syndrome. This variant is predicted to lead to an abnormal or absent protein product due to the creation of a premature termination codon in VPS13B, a gene where loss-of-function variants are known to be pathogenic. Please note: this variant was assessed in the context of healthy population screening.

GeneDx
Classification: Pathogenic. Last evaluated: 2022-11-29. Review status: criteria provided, single submitter. Criteria: GeneDx Variant Classification Process June 2021. Collection method: clinical testing. Allele origin: germline. Affected: yes.
Comment: Nonsense variant predicted to result in protein truncation or nonsense mediated decay in a gene for which loss-of-function is a known mechanism of disease; Not observed in large population cohorts (gnomAD); Has not been previously published as pathogenic or benign to our knowledge

Revvity Omics, Revvity
Classification: Likely pathogenic for Cohen syndrome. Last evaluated: 2022-07-08. Review status: criteria provided, single submitter. Criteria: ACMG Guidelines, 2015. Collection method: clinical testing. Allele origin: germline.

Literature cited by the submitters: PubMed 15141358 (cited by Labcorp Genetics (formerly Invitae), Labcorp); PubMed 16648375 (cited by Labcorp Genetics (formerly Invitae), Labcorp); PubMed 20461111 (cited by Labcorp Genetics (formerly Invitae), Labcorp).

NM_152564.5(VPS13B):c.2018C>G (p.Ser673Ter)

Gene: VPS13B (vacuolar protein sorting 13 homolog B; plus strand). Cytogenetic location: 8q22.2.
Variant type: single nucleotide variant.
Coding change: c.2018C>G on transcript NM_152564.5 (MANE Select); coding-DNA position 2018, C replaced by G.
Protein change: p.Ser673Ter; replaces serine 673 with a stop codon.
Molecular consequence: nonsense.
Genome position (GRCh38, 1-based): chr8:99,156,553, C>G. VCF-style: chr8-99156553-C-G. GRCh37 (hg19) VCF-style: chr8-100168781-C-G.
Other names: c.2018C>G (NM_017890.4); c.2018C>G, p.Ser673Ter (NM_015243.3, NM_017890.5); short protein forms S673*.
Identifiers: ClinVar variation 450566 (VCV000450566.10), dbSNP rs1554645551, ClinGen allele CA371864668.